The following is an entry in ClinVar:

ClinVar aggregate classification (germline): Uncertain significance. Review status: criteria provided, multiple submitters, no conflicts (2 of 4 stars). 2 submissions from 2 submitters: Uncertain significance (2). Last evaluated 2025-06-05.

Conditions:
Inborn genetic diseases. Identifiers: MedGen C0950123, MeSH D030342.
Carnitine palmitoyltransferase II deficiency. Also called: Carnitine Palmitoyltransferase 2 Deficiency. Identifiers: Orphanet 157, MedGen C0342790, MONDO:0015515.

Allele frequency attached by ClinVar (database versions not stated): gnomAD 0.00001.

Submissions (2):

Ambry Genetics
Classification: Uncertain significance for Inborn genetic diseases. Last evaluated: 2025-06-05. Review status: criteria provided, single submitter. Criteria: Ambry Variant Classification Scheme 2023. Collection method: clinical testing. Allele origin: germline.

Labcorp Genetics (formerly Invitae), Labcorp
Classification: Uncertain significance for Carnitine palmitoyltransferase II deficiency. Last evaluated: 2024-10-08. Review status: criteria provided, single submitter. Criteria: Invitae Variant Classification Sherloc (09022015). Collection method: clinical testing. Allele origin: germline.
Comment: This sequence change replaces alanine, which is neutral and non-polar, with threonine, which is neutral and polar, at codon 470 of the CPT2 protein (p.Ala470Thr). This variant is present in population databases (rs756326862, gnomAD 0.007%). This variant has not been reported in the literature in individuals affected with CPT2-related conditions. ClinVar contains an entry for this variant (Variation ID: 1406086). Invitae Evidence Modeling of protein sequence and biophysical properties (such as structural, functional, and spatial information, amino acid conservation, physicochemical variation, residue mobility, and thermodynamic stability) indicates that this missense variant is not expected to disrupt CPT2 protein function with a negative predictive value of 80%. In summary, the available evidence is currently insufficient to determine the role of this variant in disease. Therefore, it has been classified as a Variant of Uncertain Significance.

NM_000098.3(CPT2):c.1408G>A (p.Ala470Thr)

Gene: CPT2 (carnitine palmitoyltransferase 2; plus strand). Cytogenetic location: 1p32.3.
Variant type: single nucleotide variant.
Coding change: c.1408G>A on transcript NM_000098.3 (MANE Select); coding-DNA position 1408, G replaced by A.
Protein change: p.Ala470Thr; replaces alanine 470 with threonine.
Molecular consequence: missense variant.
Genome position (GRCh38, 1-based): chr1:53,211,082, G>A. VCF-style: chr1-53211082-G-A. GRCh37 (hg19) VCF-style: chr1-53676754-G-A.
Other names: c.1408G>A (NM_000098.2); c.1408G>A, p.Ala470Thr (NM_001330589.2); short protein forms A470T.
Identifiers: ClinVar variation 1406086 (VCV001406086.8), dbSNP rs756326862, ClinGen allele CA859193.